The following is an entry in ClinVar:

ClinVar aggregate classification (germline): Conflicting classifications of pathogenicity. Review status: criteria provided, conflicting classifications (1 of 4 stars). 2 submissions from 2 submitters: Uncertain significance (1); Likely benign (1). Last evaluated 2021-09-29.

Conditions:
Hereditary breast ovarian cancer syndrome. Also called: Hereditary breast and ovarian cancer; Breast and ovarian cancer; Hereditary breast and ovarian cancer syndrome (HBOC); Hereditary breast and ovarian cancer syndrome; BRCA1- and BRCA2-Associated Hereditary Breast and Ovarian Cancer; Hereditary breast and/or ovarian cancer syndrome. Identifiers: Orphanet 145, MedGen C0677776, MeSH D061325, MONDO:0003582. Disease mechanism: loss of function.

Submissions (2):

Labcorp Genetics (formerly Invitae), Labcorp
Classification: Likely benign for Hereditary breast ovarian cancer syndrome. Last evaluated: 2021-09-29. Review status: criteria provided, single submitter. Criteria: Invitae Variant Classification Sherloc (09022015). Collection method: clinical testing. Allele origin: germline.

GeneDx
Classification: Uncertain significance. Last evaluated: 2019-11-21. Review status: criteria provided, single submitter. Criteria: GeneDx Variant Classification Process June 2021. Collection method: clinical testing. Allele origin: germline. Affected: yes.
Comment: In silico analysis, which includes splice predictors and evolutionary conservation, supports that this variant does not alter protein structure/function; Not observed in large population cohorts (Lek 2016); Has not been previously published as pathogenic or benign to our knowledge; Also known as 1956A>C

NM_007294.4(BRCA1):c.1837A>C (p.Arg613=)

Gene: BRCA1 (BRCA1 DNA repair associated; minus strand). Cytogenetic location: 17q21.31.
Variant type: single nucleotide variant.
Coding change: c.1837A>C on transcript NM_007294.4 (MANE Select); coding-DNA position 1837, A replaced by C.
Protein change: p.Arg613=; no amino-acid change (arginine 613 retained).
Molecular consequence: synonymous variant. On other transcripts: intron variant (137).
Genome position (GRCh38, 1-based): chr17:43,093,694, T>G on the plus strand (A>C on the coding strand, the complement: BRCA1 is on the minus strand). VCF-style: chr17-43093694-T-G. GRCh37 (hg19) VCF-style: chr17-41245711-T-G.
Other names: c.1624A>C, p.Arg542= (NM_001407571.1, NM_001407853.1, NM_001407894.1 and 9 more transcripts); c.1837A>C, p.Arg613= (NM_001407581.1, NM_001407582.1, NM_001407583.1 and 30 more transcripts); c.1834A>C, p.Arg612= (NM_001407587.1, NM_001407590.1, NM_001407591.1 and 22 more transcripts); c.1828A>C, p.Arg610= (NM_001407646.1, NM_001407647.1); c.1714A>C, p.Arg572= (NM_001407648.1, NM_001407664.1, NM_001407665.1 and 19 more transcripts); c.1711A>C, p.Arg571= (NM_001407649.1, NM_001407670.1, NM_001407671.1 and 11 more transcripts); c.1759A>C, p.Arg587= (NM_001407653.1, NM_001407654.1, NM_001407655.1 and 4 more transcripts); c.1756A>C, p.Arg586= (NM_001407659.1, NM_001407660.1, NM_001407661.1 and 1 more transcripts); and 40 more.
Identifiers: ClinVar variation 1310659 (VCV001310659.11), dbSNP rs863224753, ClinGen allele CA500232808.